The following is an entry in ClinVar:

NM_003001.5(SDHC):c.163C>G (p.His55Asp)

Gene: SDHC (succinate dehydrogenase complex subunit C; plus strand). Cytogenetic location: 1q23.3.
Variant type: single nucleotide variant.
Coding change: c.163C>G on transcript NM_003001.5 (MANE Select); coding-DNA position 163, C replaced by G.
Protein change: p.His55Asp; replaces histidine 55 with aspartic acid.
Molecular consequence: missense variant. On other transcripts: non-coding transcript variant (1), intron variant (4).
Genome position (GRCh38, 1-based): chr1:161,328,481, C>G. VCF-style: chr1-161328481-C-G. GRCh37 (hg19) VCF-style: chr1-161298271-C-G.
Other names: c.163C>G, p.His55Asp (NM_001035511.3, NM_001407115.1); c.106C>G, p.His36Asp (NM_001407116.1, NM_001407117.1, NM_001407121.1); c.52C>G, p.His18Asp (NM_001407119.1, NM_001407120.1); c.77+4811C>G (NM_001035512.3, NM_001278172.3, NM_001407118.1); c.21-12113C>G (NM_001035513.3); short protein forms H55D, H36D, H18D.
Identifiers: ClinVar variation 963887 (VCV000963887.11), dbSNP rs1671155800, ClinGen allele CA343361295.

ClinVar aggregate classification (germline): Uncertain significance (1 of 4 stars; one submission).

Conditions:
Gastrointestinal stromal tumor. Also called: Gastrointestinal stromal tumor, somatic; Gastrointestinal stroma tumor. Identifiers: Orphanet 44890, MedGen C0238198, MeSH D046152, MONDO:0011719, OMIM 606764, HP:0100723.
Pheochromocytoma/paraganglioma syndrome 3. Also called: GLOMUS TUMORS, FAMILIAL, 3; SDHC-Related Hereditary Paraganglioma-Pheochromocytoma Syndrome; Paragangliomas 3; SDHC-Related Hereditary Paraganglioma-Pheochromocytoma Syndrome (Paragangliomas 3). Identifiers: Orphanet 29072, MedGen C1854336, MONDO:0011544, OMIM 605373.

Submission:

Labcorp Genetics (formerly Invitae), Labcorp
Classification: Uncertain significance for Pheochromocytoma/paraganglioma syndrome 3; Gastrointestinal stromal tumor. Last evaluated: 2025-01-29. Review status: criteria provided, single submitter. Criteria: Invitae Variant Classification Sherloc (09022015). Collection method: clinical testing. Allele origin: germline.
Comment: This sequence change replaces histidine, which is basic and polar, with aspartic acid, which is acidic and polar, at codon 55 of the SDHC protein (p.His55Asp). This variant is not present in population databases (gnomAD no frequency). This variant has not been reported in the literature in individuals affected with SDHC-related conditions. ClinVar contains an entry for this variant (Variation ID: 963887). An algorithm developed to predict the effect of missense changes on protein structure and function (PolyPhen-2) suggests that this variant is likely to be disruptive. In summary, the available evidence is currently insufficient to determine the role of this variant in disease. Therefore, it has been classified as a Variant of Uncertain Significance.